The following is an entry in ClinVar:

ClinVar aggregate classification (germline): Likely pathogenic. Review status: reviewed by expert panel (3 of 4 stars). 7 submissions from 7 submitters: Likely pathogenic (1). 6 of the submissions do not count toward it. Last evaluated 2022-08-23.

Conditions:
Primary Mitochondrial Disorders. Identifiers: MedGen CN381104.
Mitochondrial disease. Also called: Mitochondrial disorder; Mitochondrial disorders. Identifiers: Orphanet 68380, MedGen C0751651, MeSH D028361, MONDO:0044970.
Leber optic atrophy (LHON). Also called: Leber's disease; Leber's optic atrophy; Leber hereditary optic neuropathy; Optic Atrophy, Hereditary, Leber. Identifiers: Orphanet 104, MedGen C0917796, MONDO:0010788, OMIM 535000, HP:0001112.
Leber optic atrophy and dystonia. Also called: LHON and dystonia; Dystonia familial, with visual failure and striatal lucencies; Leber's hereditary optic neuropathy with dystonia; MARSDEN SYNDROME. Identifiers: Orphanet 99718, MedGen C1839040, MONDO:0010772, OMIM 500001.

Submissions (7):

ClinGen Mitochondrial Disease Nuclear and Mitochondrial  Variant Curation Expert Panel, ClinGen
Classification: Likely pathogenic for Mitochondrial disease. Last evaluated: 2022-08-23. Review status: reviewed by expert panel. Criteria: clingen mito disease acmg specifications v1-1. Collection method: curation. Allele origin: germline. Inheritance: Mitochondrial inheritance.
Comment: The m.3635G>A (p.S110N) variant in MT-ND1 has been reported in >16 individuals with primary mitochondrial disease, and more specifically Leber's hereditary optic neuropathy (LHON). This variant has been observed in affected individuals primarily in the homoplasmic state to date (20/21 cases) (PS4; PMIDs: 25194554, 21074518, 23304069,19527690, 19497304, 11479733, 33417421). There are no large families reported in the medical literature to consider for evidence of segregation. There are no reported de novo occurrences of this variant to our knowledge. This variant is absent in Helix and the GenBank dataset. It is present in gnomAD 3.1 in 1/56428 individuals (0.002%). Although there is one occurrence, the frequency is still low (PM2_supporting). The computational predictor APOGEE gives a consensus rating of pathogenic with a score of 0.75 (Min=0, Max=1), which predicts a damaging effect on gene function (PP3). Cybrid studies supported the functional impact of this variant (PS3_supporting; PMIDs: 25194554, 11479733). In summary, this variant meets criteria to be classified as likely pathogenic for primary mitochondrial disease inherited in a mitochondrial manner. This classification was approved by the NICHD/NINDS U24 Mitochondrial Disease Variant Curation Expert Panel on August 23, 2022. Mitochondrial DNA-specific ACMG/AMP criteria applied (PMID: 32906214): PM2_supporting, PS3_supporting, PP3, PS4.

Variantyx, Inc.
Classification: Likely pathogenic for Primary mitochondrial disorders. Last evaluated: 2025-03-20. Review status: criteria provided, single submitter. Criteria: Variantyx Assertion Criteria 2022. Collection method: clinical testing. Allele origin: germline. Affected: yes. Not counted in ClinVar's aggregate classification.
Comment: The m.3635G>A, c.329G>A, p.Ser110Asn change is a a nonsynonymous single nucleotide variant in the MT-ND1 gene. Pathogenic variants in this gene have been associated with primary mitochondrial disorders. This variant has been reported in many unrelated affected individuals (PMID: 25194554, 21074518, 23304069, 19527690, 19497304, 11479733, 33417421) (PS4). Functional studies support a deleterious effect for this variant (PMID: 25194554, 11479733) (PS3), while computational algorithms produce conflicting evidence regarding the predicted functional impact of this variant (Aggregate Predicted Severity: 0.42). This variant has a 0.0018% homoplasmic allele frequency in control populations (PM2). Other reputable laboratories have reported this variant as pathogenic or likely pathogenic, and this classification has been validated by an expert panel in ClinVar (PP5). . Based on the current evidence, this variant is classified as likely pathogenic for primary mitochondrial disorders.

3billion
Classification: Likely pathogenic for Leber optic atrophy and dystonia. Last evaluated: 2024-06-16. Review status: criteria provided, single submitter. Criteria: ACMG Guidelines, 2015. Collection method: clinical testing. Allele origin: germline. Affected: yes. Not counted in ClinVar's aggregate classification.
Comment: The variant is observed at an extremely low frequency in the gnomAD v4.0.0 dataset (heteroplasmic allele frequency: 0.004% and homoplasmic allele frequency: 0.002%). Predicted Consequence/Location: Missense variant In silico tool predictions suggest damaging effect of the variant on gene or gene product (APOGEE2 : 0.901). The same nucleotide change resulting in the same amino acid change has been previously reported as pathogenic/likely pathogenic with strong evidence (ClinVar ID: VCV000065518). A different missense change at the same codon (p.Ser110Gly) has been reported as pathogenic/likely pathogenic with strong evidence (Mitomap PMID: 29467576, 27613247). Therefore, this variant is classified as Likely pathogenic according to the recommendation of ACMG/AMP guideline.

Mendelics
Classification: Pathogenic for Leber optic atrophy. Last evaluated: 2022-05-04. Review status: criteria provided, single submitter. Criteria: Mendelics Assertion Criteria 2019. Collection method: clinical testing. Allele origin: germline. Not counted in ClinVar's aggregate classification.

Wong Mito Lab, Molecular and Human Genetics, Baylor College of Medicine
Classification: Likely pathogenic for Leber optic atrophy. Last evaluated: 2019-10-17. Review status: criteria provided, single submitter. Criteria: Modified ACMG Guidelines (Unpublished). Collection method: clinical testing. Allele origin: germline. Not counted in ClinVar's aggregate classification.
Comment: The NC_012920.1:m.3635G>A (YP_003024026.1:p.Ser110Asn) variant in MTND1 gene is interpretated to be a Likely Pathogenic variant based on the modified ACMG guidelines (unpublished). This variant meets the following evidence codes: PS1, PM10, PP4

GeneReviews
No classification provided. Condition: Leber optic atrophy. Review status: no classification provided. Collection method: literature only. Allele origin: maternal. Not counted in ClinVar's aggregate classification.
Comment: This mitochondrial DNA variant affects function. It hase been identified in at least two independent LHON pedigrees and segregates with affected disease status.

Pediatrics, The Third Affiliated Hospital of Sun Yat-sen University
Classification: Pathogenic for Leber optic atrophy. Review status: no assertion criteria provided. Collection method: clinical testing. Allele origin: maternal. Inheritance: Autosomal dominant inheritance with maternal imprinting. Affected: yes. Not counted in ClinVar's aggregate classification.
Comment: This variant, m.3635G>A in the MT-ND1 gene, is a well-established pathogenic mutation for Leber hereditary optic neuropathy (LHON). The variant is absent or extremely rare in large general population databases, consistent with a role in a rare disease (PM2). Multiple independent studies have reported this variant in LHON patients (PS4), including a Chinese cohort by Jia X et al. (Biochem Biophys Res Commun, 2010, PMID:21074518) and other studies (PMID:19527690, 19497304). It affects a highly conserved amino acid residue in a critical functional domain of the NADH dehydrogenase subunit 1 (PM1). Although functional studies were not directly reviewed here, previous reports indicate that mutations in this region impair complex I activity, supporting a deleterious effect (PS3_supporting). Collectively, these evidence codes (PS4, PM2, PM1, PS3_supporting) lead to a classification of Pathogenic.

Literature cited by the submitters: PubMed 27613247 (cited by 3billion); PubMed 29467576 (cited by 3billion); PubMed 11479733 (cited by Wong Mito Lab, Molecular and Human Genetics, Baylor College of Medicine); PubMed 25194554 (cited by Wong Mito Lab, Molecular and Human Genetics, Baylor College of Medicine); PubMed 15972314 (cited by Wong Mito Lab, Molecular and Human Genetics, Baylor College of Medicine); PubMed 19497304 (cited by Wong Mito Lab, Molecular and Human Genetics, Baylor College of Medicine); PubMed 30143805 (cited by GeneReviews); PubMed 20301353 (cited by GeneReviews); PubMed 21074518 (cited by Pediatrics, The Third Affiliated Hospital of Sun Yat-sen University); PubMed 19527690 (cited by Pediatrics, The Third Affiliated Hospital of Sun Yat-sen University).

NC_012920.1(MT-ND1):m.3635G>A

Gene: MT-ND1 (mitochondrially encoded NADH dehydrogenase 1; plus strand).
Variant type: single nucleotide variant.
Genome position: chrM-3635-G-A.
Identifiers: ClinVar variation 65518 (VCV000065518.8), dbSNP rs397515507, ClinGen allele CA344827.
Genomic context (GRCh38, chrMT:3,635, plus strand): 5'-CCATACCCAACCCCCTGGTCAACCTCAACCTAGGCCTCCTATTTATTCTAGCCACCTCTA[G>A]CCTAGCCGTTTACTCAATCCTCTGATCAGGGTGAGCATCAAACTCAAACTACGCCCTGAT-3'